The following is an entry in ClinVar:

ClinVar aggregate classification (germline): Conflicting classifications of pathogenicity. Review status: criteria provided, conflicting classifications (1 of 4 stars). 8 submissions from 8 submitters: Uncertain significance (3); Likely benign (1). 4 of the submissions do not count toward it. Last evaluated 2026-02-02.

Conditions:
Greig cephalopolysyndactyly syndrome (GCPS). Also called: POLYSYNDACTYLY WITH PECULIAR SKULL SHAPE; GLI3-Related Greig Cephalopolysyndactyly Syndrome; Greig syndrome. Identifiers: Orphanet 380, MedGen C0265306, MONDO:0008287, OMIM 175700.
Pallister-Hall syndrome (PHS). Also called: HYPOTHALAMIC HAMARTOBLASTOMA, HYPOPITUITARISM, IMPERFORATE ANUS, AND POSTAXIAL POLYDACTYLY; GLI3-Related Pallister-Hall Syndrome. Identifiers: Orphanet 672, MedGen C0265220, MONDO:0007804, OMIM 146510.
Hirschsprung disease, susceptibility to, 1 (HSCR1). Also called: RET-Related Hirschsprung Disease. Identifiers: Orphanet 388, MedGen C3888239, MONDO:0007723, OMIM 142623.

Allele frequency attached by ClinVar (database versions not stated): ExAC 0.00020; ESP Exome Variant Server 0.00023; gnomAD 0.00027 and 0.00028; gnomAD exomes 0.00027 and 0.00038; TOPMed 0.00029.
gnomAD v4.1: 579 of 1,614,006 alleles (0.036%); highest among the groups gnomAD compares: Non-Finnish European, 0.046%; no homozygotes.

Submissions (8):

GeneDx
Classification: Uncertain significance. Last evaluated: 2026-02-02. Review status: criteria provided, single submitter. Criteria: GeneDx Variant Classification Process June 2021. Collection method: clinical testing. Allele origin: germline. Affected: yes.
Comment: Identified in an individual with Greig cephalopolysyndactyly syndrome (GCPS) and individuals without GCPS in published literature (PMID: 9302279, 29601828); also observed in the heterozygous state in several clinically unaffected individuals referred for genetic testing at GeneDx; In silico analysis supports that this missense variant has a deleterious effect on protein structure/function; This variant is associated with the following publications: (PMID: 19829694, 29601828, 10441342, 10441570, 34328347, 30476936, 9302279)

Labcorp Genetics (formerly Invitae), Labcorp
Classification: Likely benign for Pallister-Hall syndrome; Greig cephalopolysyndactyly syndrome. Last evaluated: 2026-01-05. Review status: criteria provided, single submitter. Criteria: Invitae Variant Classification Sherloc (09022015). Collection method: clinical testing. Allele origin: germline.

CeGaT Center for Human Genetics Tuebingen
Classification: Uncertain significance. Last evaluated: 2025-04-01. Review status: criteria provided, single submitter. Criteria: CeGaT Center For Human Genetics Tuebingen Variant Classification Criteria Version 2. Collection method: clinical testing. Allele origin: germline. Affected: yes. Observed: 2 variant alleles.

Genetic Services Laboratory, University of Chicago
Classification: Uncertain significance. Last evaluated: 2016-12-28. Review status: criteria provided, single submitter. Criteria: ACMG Guidelines, 2015. Collection method: clinical testing. Allele origin: germline. Affected: no.

Gharavi Laboratory, Columbia University
Classification: Likely benign. Last evaluated: 2018-09-16. Review status: no assertion criteria provided. Criteria: ACMG Guidelines, 2015. Collection method: research. Allele origin: germline. Affected: no. Not counted in ClinVar's aggregate classification.

Clinical Genetics, Erasmus University Medical Center
Classification: Likely pathogenic for Hirschsprung disease, susceptibility to, 1. Last evaluated: 2016-11-18. Review status: no assertion criteria provided. Collection method: clinical testing. Allele origin: paternal. Inheritance: Oligogenic inheritance. Affected: yes. Observed: 1 variant allele, 1 heterozygote. Not counted in ClinVar's aggregate classification.

OMIM
Classification: Pathogenic for GREIG CEPHALOPOLYSYNDACTYLY SYNDROME. Last evaluated: 1997-10-01. Review status: no assertion criteria provided. Collection method: literature only. Allele origin: germline. Not counted in ClinVar's aggregate classification.

Department of Pathology and Laboratory Medicine, Sinai Health System
Classification: Uncertain significance. Review status: no assertion criteria provided. Collection method: clinical testing. Allele origin: unknown. Affected: yes. Study: The Canadian Open Genetics Repository (COGR). Not counted in ClinVar's aggregate classification.
Comment: The GLI3 p.Pro707Ser variant was identified in the literature in one of two patients with Greig cephalopolysyndactyly syndrome (Wild_1997_PMID:9302279). The variant was identified in dbSNP (ID: rs121917716), ClinVar (classified as a VUS by Invitae and Genetic Services Laboratory at University of Chicago, as likely pathogenic by Clinical Genetics at Erasmus University Medical Center and as likely benign by Gharavi Laboratory at Columbia University), Cosmic (FATHMM prediction: pathogenic; score=0.97) and LOVD 3.0 (classified as a VUS, likely pathogenic and pathogenic). The variant was also identified in control databases in 73 of 282622 chromosomes at a frequency of 0.000258 (Genome Aggregation Database Feb 27, 2017). The variant was observed in the following populations: European (non-Finnish) in 65 of 128924 chromosomes (freq: 0.000504), Other in 2 of 7228 chromosomes (freq: 0.000277), Latino in 5 of 35440 chromosomes (freq: 0.000141) and African in 1 of 24970 chromosomes (freq: 0.00004), but was not observed in the Ashkenazi Jewish, East Asian, European (Finnish) or South Asian populations. The p.Pro707 residue is conserved across mammals and other organisms, and computational analyses (PolyPhen-2, SIFT, AlignGVGD, BLOSUM, MutationTaster) suggest that the variant may impact the protein; however, this information is not predictive enough to assume pathogenicity. The variant occurs outside of the splicing consensus sequence and in silico or computational prediction software programs (SpliceSiteFinder, MaxEntScan, NNSPLICE, GeneSplicer) do not predict a difference in splicing. In summary, based on the above information the clinical significance of this variant cannot be determined with certainty at this time. This variant is classified as a variant of uncertain significance.

Literature cited by the submitters: PubMed 9302279 (cited by OMIM).

NM_000168.6(GLI3):c.2119C>T (p.Pro707Ser)

Gene: GLI3 (GLI family zinc finger 3; minus strand). Cytogenetic location: 7p14.1.
Variant type: single nucleotide variant.
Coding change: c.2119C>T on transcript NM_000168.6 (MANE Select); coding-DNA position 2119, C replaced by T.
Protein change: p.Pro707Ser; replaces proline 707 with serine.
Molecular consequence: missense variant.
Genome position (GRCh38, 1-based): chr7:41,967,908, G>A on the plus strand (C>T on the coding strand, the complement: GLI3 is on the minus strand). VCF-style: chr7-41967908-G-A. GRCh37 (hg19) VCF-style: chr7-42007506-G-A.
Other names: short protein forms P707S.
Identifiers: ClinVar variation 13831 (VCV000013831.47), dbSNP rs121917716, ClinGen allele CA256987.